The following is an entry in ClinVar:

NM_007294.4(BRCA1):c.4393A>G (p.Ile1465Val)

Gene: BRCA1 (BRCA1 DNA repair associated; minus strand). Cytogenetic location: 17q21.31.
Variant type: single nucleotide variant.
Coding change: c.4393A>G on transcript NM_007294.4 (MANE Select); coding-DNA position 4393, A replaced by G.
Protein change: p.Ile1465Val; replaces isoleucine 1465 with valine.
Molecular consequence: missense variant. On other transcripts: non-coding transcript variant (1).
Genome position (GRCh38, 1-based): chr17:43,076,579, T>C on the plus strand (A>G on the coding strand, the complement: BRCA1 is on the minus strand). VCF-style: chr17-43076579-T-C. GRCh37 (hg19) VCF-style: chr17-41228596-T-C.
Other names: c.4270A>G, p.Ile1424Val (NM_001407669.1, NM_001407664.1, NM_001407665.1 and 6 more transcripts); c.1081A>G, p.Ile361Val (NM_001407993.1, NM_001407979.1, NM_001407980.1 and 13 more transcripts); c.4267A>G, p.Ile1423Val (NM_001407670.1, NM_001407673.1, NM_001407671.1 and 11 more transcripts); c.1078A>G, p.Ile360Val (NM_001408392.1, NM_001408396.1, NM_001408400.1 and 8 more transcripts); c.4387A>G, p.Ile1463Val (NM_001407631.1, NM_001407632.1, NM_001407633.1 and 14 more transcripts); c.4384A>G, p.Ile1462Val (NM_001407644.1, NM_001407645.1); c.4381A>G, p.Ile1461Val (NM_001407646.1); c.4378A>G, p.Ile1460Val (NM_001407647.1); and 68 more; short protein forms I1418V, I1465V, I1486V, I361V, I1169V, I1337V, I1398V, I1421V.
Identifiers: ClinVar variation 801075 (VCV000801075.25), dbSNP rs1567779778, ClinGen allele CA10592751.

ClinVar aggregate classification (germline): Conflicting classifications of pathogenicity. Review status: criteria provided, conflicting classifications (1 of 4 stars). 7 submissions from 7 submitters: Uncertain significance (6); Likely benign (1). Last evaluated 2025-09-28.

Conditions:
Hereditary breast ovarian cancer syndrome. Also called: BRCA1- and BRCA2-Associated Hereditary Breast and Ovarian Cancer; Hereditary breast and ovarian cancer syndrome; Hereditary breast and/or ovarian cancer syndrome; Hereditary breast and ovarian cancer; Hereditary breast and ovarian cancer syndrome (HBOC); Breast and ovarian cancer. Identifiers: Orphanet 145, MedGen C0677776, MeSH D061325, MONDO:0003582. Disease mechanism: loss of function.
Hereditary cancer-predisposing syndrome. Also called: Tumor predisposition; Neoplastic Syndromes, Hereditary; Hereditary Cancer Syndrome; Hereditary neoplastic syndrome. Identifiers: Orphanet 140162, MedGen C0027672, MeSH D009386, MONDO:0015356.
BRCA1-related cancer predisposition. Identifiers: MedGen CN377757, MONDO:0700268.

Allele frequency attached by ClinVar (database versions not stated): gnomAD exomes 0.00001.
gnomAD v4.1: 10 of 1,613,704 alleles (0.00062%); highest among the groups gnomAD compares: African/African-American, 0.0013%; no homozygotes.

Submissions (7):

Labcorp Genetics (formerly Invitae), Labcorp
Classification: Uncertain significance for Hereditary breast ovarian cancer syndrome. Last evaluated: 2025-09-28. Review status: criteria provided, single submitter. Criteria: Invitae Variant Classification Sherloc (09022015). Collection method: clinical testing. Allele origin: germline.
Comment: This sequence change replaces isoleucine, which is neutral and non-polar, with valine, which is neutral and non-polar, at codon 1465 of the BRCA1 protein (p.Ile1465Val). This variant is not present in population databases (gnomAD no frequency). This missense change has been observed in individual(s) with BRCA1-related conditions (PMID: 35534704). ClinVar contains an entry for this variant (Variation ID: 801075). Invitae Evidence Modeling of protein sequence and biophysical properties (such as structural, functional, and spatial information, amino acid conservation, physicochemical variation, residue mobility, and thermodynamic stability) indicates that this missense variant is not expected to disrupt BRCA1 protein function with a negative predictive value of 95%. RNA analysis performed to evaluate the impact of this missense change on mRNA splicing indicates it does not significantly alter splicing (PMID: 32123317). In summary, the available evidence is currently insufficient to determine the role of this variant in disease. Therefore, it has been classified as a Variant of Uncertain Significance.

Molecular Diagnostics Laboratory, Catalan Institute of Oncology
Classification: Uncertain significance for Hereditary cancer-predisposing syndrome. Last evaluated: 2025-04-01. Review status: criteria provided, single submitter. Criteria: ClinGen BRCA1BRCA2 ACMG Specifications BRCA1 V1.0.0. Collection method: clinical testing. Allele origin: germline.
Comment: PM2_Supporting c.4393A>G, located in exon 13 (14 according BIC nomenclature) of the BRCA1 gene, is predicted to result in the substitution of Ile by Val at codon 1465, p.(Ile1465Val). This position is outside a (potentially) clinically important functional domain but the SpliceAI algorithm results in a non-informative deltascore (0.11) for the effect of this variant on splicing. It is not present in the population database gnomAD v2.1.1, non cancer dataset (PM2_supporting). To our knowledge, no well-stablished functional studies have been reported for this variant and there are no reports of pathogenic missense variants in the same codon. In a case-control study, this variant was present in 1 out of 53461 healthy controls and none of 60466 breast cancer patients (PMID: 33471991). This variant has been reported in the ClinVar database (1x likely benign, 4x uncertain significance), in the LOVD database (1x likely benign, 1x uncertain significance) and in the BRCA Exchange database as Not yet reviewed. Based on currently available information, the variant c.4393A>G should be considered an uncertain significance variant according to ClinGen- BRCA1 and BRCA2 Guidelines version 1.0.0.

All of Us Research Program, National Institutes of Health
Classification: Uncertain significance for BRCA1-related cancer predisposition. Last evaluated: 2024-08-23. Review status: criteria provided, single submitter. Criteria: ACMG Guidelines, 2015. Collection method: clinical testing. Allele origin: germline. Inheritance: Autosomal dominant inheritance. Observed: 3 variant alleles, 3 heterozygotes.
Comment: This missense variant replaces isoleucine with valine at codon 1465 of the BRCA1 protein. Computational prediction suggests that this variant may not impact protein structure and function (internally defined REVEL score threshold <= 0.5, PMID: 27666373). To our knowledge, functional studies have not been reported for this variant. This variant has been detected in a breast cancer case-control meta-analysis in 1/60466 cases and 1/53461 unaffected individuals (PMID: 33471991; Leiden Open Variation Database DB-ID BRCA1_002203). This variant has not been identified in the general population by the Genome Aggregation Database (gnomAD). The available evidence is insufficient to determine the role of this variant in disease conclusively. Therefore, this variant is classified as a Variant of Uncertain Significance.

This study involves interpretation of variants in research participants for the purpose of population health screening. Participant phenotype was not available at the time of variant classification. Additional details can be found in publication PMID: 35346344, PMCID: PMC8962531

Color Diagnostics, LLC DBA Color Health
Classification: Uncertain significance for Hereditary cancer-predisposing syndrome. Last evaluated: 2024-08-08. Review status: criteria provided, single submitter. Criteria: ACMG Guidelines, 2015. Collection method: clinical testing. Allele origin: germline.
Comment: This missense variant replaces isoleucine with valine at codon 1465 of the BRCA1 protein. Computational prediction suggests that this variant may not impact protein structure and function. To our knowledge, functional studies have not been reported for this variant. This variant has been detected in a breast cancer case-control meta-analysis in 1/60466 cases and 1/53461 unaffected individuals (PMID: 33471991; Leiden Open Variation Database DB-ID BRCA1_002203). This variant has not been identified in the general population by the Genome Aggregation Database (gnomAD). The available evidence is insufficient to determine the role of this variant in disease conclusively. Therefore, this variant is classified as a Variant of Uncertain Significance.

Ambry Genetics
Classification: Likely benign for Hereditary cancer-predisposing syndrome. Last evaluated: 2022-01-06. Review status: criteria provided, single submitter. Criteria: Ambry Variant Classification Scheme 2023. Collection method: clinical testing. Allele origin: germline.

Genetic Services Laboratory, University of Chicago
Classification: Uncertain significance. Last evaluated: 2019-12-27. Review status: criteria provided, single submitter. Criteria: ACMG Guidelines, 2015. Collection method: clinical testing. Allele origin: germline. Affected: no.

Quest Diagnostics Nichols Institute San Juan Capistrano
Classification: Uncertain significance. Last evaluated: 2019-07-18. Review status: criteria provided, single submitter. Criteria: Quest Diagnostics criteria. Collection method: clinical testing. Allele origin: germline.

Literature cited by the submitters: PubMed 35534704 (cited by Labcorp Genetics (formerly Invitae), Labcorp); PubMed 32123317 (cited by Labcorp Genetics (formerly Invitae), Labcorp); PubMed 33471991 (cited by All of Us Research Program, National Institutes of Health and Color Diagnostics, LLC DBA Color Health).